The following is an entry in ClinVar:

ClinVar aggregate classification (germline): Uncertain significance. Review status: criteria provided, multiple submitters, no conflicts (2 of 4 stars). 2 submissions from 2 submitters: Uncertain significance (2). Last evaluated 2022-06-08.

Allele frequency attached by ClinVar (database versions not stated): TOPMed below 0.00001; gnomAD exomes 0.00002.
gnomAD v4.1: 15 of 1,603,422 alleles (0.00094%); highest among the groups gnomAD compares: South Asian, 0.015%; no homozygotes.

Submissions (2):

Blueprint Genetics
Classification: Uncertain significance. Last evaluated: 2022-06-08. Review status: criteria provided, single submitter. Criteria: ACMG Guidelines, 2015. Collection method: clinical testing. Allele origin: germline.

Labcorp Genetics (formerly Invitae), Labcorp
Classification: Uncertain significance. Last evaluated: 2022-04-19. Review status: criteria provided, single submitter. Criteria: Invitae Variant Classification Sherloc (09022015). Collection method: clinical testing. Allele origin: germline.
Comment: This variant has not been reported in the literature in individuals affected with PROM1-related conditions. This sequence change replaces leucine, which is neutral and non-polar, with valine, which is neutral and non-polar, at codon 554 of the PROM1 protein (p.Leu554Val). This variant is present in population databases (no rsID available, gnomAD 0.01%). Algorithms developed to predict the effect of missense changes on protein structure and function are either unavailable or do not agree on the potential impact of this missense change (SIFT: "Tolerated"; PolyPhen-2: "Possibly Damaging"; Align-GVGD: "Class C0"). Algorithms developed to predict the effect of sequence changes on RNA splicing suggest that this variant may create or strengthen a splice site. In summary, the available evidence is currently insufficient to determine the role of this variant in disease. Therefore, it has been classified as a Variant of Uncertain Significance.

NM_006017.3(PROM1):c.1660C>G (p.Leu554Val)

Gene: PROM1 (prominin 1; minus strand). Cytogenetic location: 4p15.32.
Variant type: single nucleotide variant.
Coding change: c.1660C>G on transcript NM_006017.3 (MANE Select); coding-DNA position 1660, C replaced by G.
Protein change: p.Leu554Val; replaces leucine 554 with valine.
Molecular consequence: missense variant.
Genome position (GRCh38, 1-based): chr4:15,998,407, G>C on the plus strand (C>G on the coding strand, the complement: PROM1 is on the minus strand). VCF-style: chr4-15998407-G-C. GRCh37 (hg19) VCF-style: chr4-16000030-G-C.
Other names: c.1633C>G, p.Leu545Val (NM_001145847.2, NM_001145848.2, NM_001145851.2 and 4 more transcripts); c.1660C>G, p.Leu554Val (NM_001145849.2, NM_001145850.2); short protein forms L554V, L545V.
Identifiers: ClinVar variation 1433154 (VCV001433154.9), dbSNP rs1229297607, ClinGen allele CA356431758.